The following is an entry in ClinVar:

NM_000390.4(CHM):c.437T>G (p.Leu146Ter)

Genes: CHM (CHM Rab escort protein; minus strand), LOC129391306 (MPRA-validated peak7401 silencer; plus strand). Cytogenetic location: Xq21.2.
Variant type: single nucleotide variant.
Coding change: c.437T>G on transcript NM_000390.4 (MANE Select); coding-DNA position 437, T replaced by G.
Protein change: p.Leu146Ter; replaces leucine 146 with a stop codon.
Molecular consequence: nonsense. On other transcripts: 5 prime UTR variant (4).
Genome position (GRCh38, 1-based): chrX:85,963,930, A>C on the plus strand (T>G on the coding strand, the complement: CHM is on the minus strand). VCF-style: chrX-85963930-A-C. GRCh37 (hg19) VCF-style: chrX-85218935-A-C.
Other names: c.-8T>G (NM_001320959.1, NM_001362517.1, NM_001362518.2 and 1 more transcripts); short protein forms L146*.
Identifiers: ClinVar variation 1685632 (VCV001685632.6), dbSNP rs2147676177, ClinGen allele CA413787192.

ClinVar aggregate classification (germline): Pathogenic. Review status: criteria provided, multiple submitters, no conflicts (2 of 4 stars). 2 submissions from 2 submitters: Pathogenic (2). Last evaluated 2022-08-19.

Conditions:
Choroideremia. Also called: Chorioretinal scalloped atrophy. Identifiers: Orphanet 180, MedGen C0008525, MONDO:0010557, OMIM 303100, HP:0001139.

Submissions (2):

Labcorp Genetics (formerly Invitae), Labcorp
Classification: Pathogenic. Last evaluated: 2022-08-19. Review status: criteria provided, single submitter. Criteria: Invitae Variant Classification Sherloc (09022015). Collection method: clinical testing. Allele origin: germline.
Comment: This sequence change creates a premature translational stop signal (p.Leu146*) in the CHM gene. It is expected to result in an absent or disrupted protein product. Loss-of-function variants in CHM are known to be pathogenic (PMID: 9067750, 23811034). This variant is not present in population databases (gnomAD no frequency). This variant has not been reported in the literature in individuals affected with CHM-related conditions. ClinVar contains an entry for this variant (Variation ID: 1685632). For these reasons, this variant has been classified as Pathogenic.

Mendelics
Classification: Pathogenic for Choroideremia. Last evaluated: 2022-05-04. Review status: criteria provided, single submitter. Criteria: Mendelics Assertion Criteria 2019. Collection method: clinical testing. Allele origin: germline.

Literature cited by the submitters: PubMed 9067750 (cited by Labcorp Genetics (formerly Invitae), Labcorp); PubMed 23811034 (cited by Labcorp Genetics (formerly Invitae), Labcorp).